The following is an entry in ClinVar:

NM_020822.3(KCNT1):c.107C>T (p.Pro36Leu)

Gene: KCNT1 (potassium sodium-activated channel subfamily T member 1; plus strand). Cytogenetic location: 9q34.3.
Variant type: single nucleotide variant.
Coding change: c.107C>T on transcript NM_020822.3 (MANE Select); coding-DNA position 107, C replaced by T.
Protein change: p.Pro36Leu; replaces proline 36 with leucine.
Molecular consequence: missense variant.
Genome position (GRCh38, 1-based): chr9:135,702,365, C>T. VCF-style: chr9-135702365-C-T. GRCh37 (hg19) VCF-style: chr9-138594211-C-T.
Other names: c.107C>T (NM_020822.2); c.107C>T, p.Pro36Leu (NM_001272003.2); short protein forms P36L.
Identifiers: ClinVar variation 2151515 (VCV002151515.5), dbSNP rs746315219, ClinGen allele CA5326259.

ClinVar aggregate classification (germline): Uncertain significance. Review status: criteria provided, multiple submitters, no conflicts (2 of 4 stars). 2 submissions from 2 submitters: Uncertain significance (2). Last evaluated 2023-10-05.

Conditions:
Inborn genetic diseases. Identifiers: MedGen C0950123, MeSH D030342.
Autosomal dominant nocturnal frontal lobe epilepsy 5. Also called: Epilepsy, nocturnal frontal lobe, 5; KCNT1-Related Epilepsy; CILIARY DYSKINESIA, PRIMARY, 28, WITHOUT SITUS INVERSUS; CILIARY DYSKINESIA, PRIMARY, 28, WITH SITUS INVERSUS. Identifiers: Orphanet 98784, MedGen C3554306, MONDO:0014002, OMIM 615005.
Developmental and epileptic encephalopathy, 14 (DEE14). Also called: Early infantile epileptic encephalopathy 14. Identifiers: Orphanet 293181, MedGen C3554195, MONDO:0013989, OMIM 614959.

Allele frequency attached by ClinVar (database versions not stated): gnomAD 0.00001; gnomAD exomes 0.00001; TOPMed 0.00001; ExAC 0.00003.
gnomAD v4.1: 16 of 1,610,166 alleles (0.00099%); highest among the groups gnomAD compares: African/African-American, 0.0027%; no homozygotes.

Submissions (2):

Ambry Genetics
Classification: Uncertain significance for Inborn genetic diseases. Last evaluated: 2023-10-05. Review status: criteria provided, single submitter. Criteria: Ambry Variant Classification Scheme 2023. Collection method: clinical testing. Allele origin: germline.

Labcorp Genetics (formerly Invitae), Labcorp
Classification: Uncertain significance for Autosomal dominant nocturnal frontal lobe epilepsy 5; Developmental and epileptic encephalopathy, 14. Last evaluated: 2022-08-16. Review status: criteria provided, single submitter. Criteria: Invitae Variant Classification Sherloc (09022015). Collection method: clinical testing. Allele origin: germline.
Comment: This sequence change replaces proline, which is neutral and non-polar, with leucine, which is neutral and non-polar, at codon 36 of the KCNT1 protein (p.Pro36Leu). This variant is present in population databases (rs746315219, gnomAD 0.003%). This variant has not been reported in the literature in individuals affected with KCNT1-related conditions. Advanced modeling of protein sequence and biophysical properties (such as structural, functional, and spatial information, amino acid conservation, physicochemical variation, residue mobility, and thermodynamic stability) performed at Invitae indicates that this missense variant is not expected to disrupt KCNT1 protein function. In summary, the available evidence is currently insufficient to determine the role of this variant in disease. Therefore, it has been classified as a Variant of Uncertain Significance.